The following is an entry in ClinVar:

ClinVar aggregate classification (germline): Uncertain significance. Review status: criteria provided, multiple submitters, no conflicts (2 of 4 stars). 2 submissions from 2 submitters: Uncertain significance (2). Last evaluated 2025-12-11.

Conditions:
Inborn genetic diseases. Identifiers: MedGen C0950123, MeSH D030342.

Allele frequency attached by ClinVar (database versions not stated): ExAC 0.00005; gnomAD 0.00005; TOPMed 0.00007; ESP Exome Variant Server 0.00008; gnomAD exomes 0.00017.
gnomAD v4.1: 248 of 1,613,982 alleles (0.015%); highest among the groups gnomAD compares: Non-Finnish European, 0.02%; no homozygotes.

Submissions (2):

Ambry Genetics
Classification: Uncertain significance for Inborn genetic diseases. Last evaluated: 2025-12-11. Review status: criteria provided, single submitter. Criteria: Ambry Variant Classification Scheme 2023. Collection method: clinical testing. Allele origin: germline.

Labcorp Genetics (formerly Invitae), Labcorp
Classification: Uncertain significance. Last evaluated: 2024-03-13. Review status: criteria provided, single submitter. Criteria: Invitae Variant Classification Sherloc (09022015). Collection method: clinical testing. Allele origin: germline.
Comment: This sequence change replaces isoleucine, which is neutral and non-polar, with phenylalanine, which is neutral and non-polar, at codon 195 of the KRT12 protein (p.Ile195Phe). This variant is present in population databases (rs370782072, gnomAD 0.01%). This variant has not been reported in the literature in individuals affected with KRT12-related conditions. ClinVar contains an entry for this variant (Variation ID: 2622876). Advanced modeling of protein sequence and biophysical properties (such as structural, functional, and spatial information, amino acid conservation, physicochemical variation, residue mobility, and thermodynamic stability) performed at Invitae indicates that this missense variant is not expected to disrupt KRT12 protein function with a negative predictive value of 80%. In summary, the available evidence is currently insufficient to determine the role of this variant in disease. Therefore, it has been classified as a Variant of Uncertain Significance.

NM_000223.4(KRT12):c.583A>T (p.Ile195Phe)

Gene: KRT12 (keratin 12; minus strand). Cytogenetic location: 17q21.2.
Variant type: single nucleotide variant.
Coding change: c.583A>T on transcript NM_000223.4 (MANE Select); coding-DNA position 583, A replaced by T.
Protein change: p.Ile195Phe; replaces isoleucine 195 with phenylalanine.
Molecular consequence: missense variant.
Genome position (GRCh38, 1-based): chr17:40,866,222, T>A on the plus strand (A>T on the coding strand, the complement: KRT12 is on the minus strand). VCF-style: chr17-40866222-T-A. GRCh37 (hg19) VCF-style: chr17-39022474-T-A.
Other names: short protein forms I195F.
Identifiers: ClinVar variation 2622876 (VCV002622876.5), dbSNP rs370782072, ClinGen allele CA8548845.
Genomic context (GRCh38, chr17:40,866,222, plus strand): 5'-TGAAGTCCTCAGCAGCTAGTCTCGCATTGTCAATCTGCAAGAGGAGCTGGGCATTTCCAA[T>A]GCTGGCTGAAATGATCTGGCAAAAGAGAGGGACACACACAAGATTGAAGCCCTAAAAGAC-3'
Protein context (NP_000214.1, residues 185-205): DLRNKIISAS[Ile195Phe]GNAQLLLQID